The following is an entry in ClinVar:

NM_003331.5(TYK2):c.80G>T (p.Gly27Val)

Gene: TYK2 (tyrosine kinase 2; minus strand). Cytogenetic location: 19p13.2.
Variant type: single nucleotide variant.
Coding change: c.80G>T on transcript NM_003331.5 (MANE Select); coding-DNA position 80, G replaced by T.
Protein change: p.Gly27Val; replaces glycine 27 with valine.
Molecular consequence: missense variant.
Genome position (GRCh38, 1-based): chr19:10,378,327, C>A on the plus strand (G>T on the coding strand, the complement: TYK2 is on the minus strand). VCF-style: chr19-10378327-C-A. GRCh37 (hg19) VCF-style: chr19-10489003-C-A.
Other names: c.80G>T, p.Gly27Val (NM_001385197.1, NM_001385198.1, NM_001385199.1 and 9 more transcripts); short protein forms G27V.
Identifiers: ClinVar variation 2096952 (VCV002096952.4), dbSNP rs753473919, ClinGen allele CA404023088.
Genomic context (GRCh38, chr19:10,378,327, plus strand): 5'-CTGAAAGTGACCCAGGGCTCCCCGCCGCCTGGACCAGCCCAGTGCAGAAGCACCTTCAGG[C>A]CTCCCATGGCAGCCATGGGCTGGGCTCCATCCCCAACGGGCTTACTGCCCCTGGCCATCC-3'
Protein context (NP_003322.3, residues 17-37): DGAQPMAAMG[Gly27Val]LKVLLHWAGP

ClinVar aggregate classification (germline): Uncertain significance (1 of 4 stars; one submission).

Conditions:
Immunodeficiency 35 (IMD35). Also called: Susceptibility to infection due to TYK2 deficiency; HIES WITH ATYPICAL MYCOBACTERIOSIS, AUTOSOMAL RECESSIVE; HYPER-IgE SYNDROME WITH ATYPICAL MYCOBACTERIOSIS, AUTOSOMAL RECESSIVE; TYK2 DEFICIENCY. Identifiers: Orphanet 331226, MedGen C1969086, MONDO:0012682, OMIM 611521.

gnomAD v4.1: 1 of 1,612,802 alleles (0.000062%); highest among the groups gnomAD compares: Non-Finnish European, 0.000085%; no homozygotes.

Submission:

Labcorp Genetics (formerly Invitae), Labcorp
Classification: Uncertain significance for Immunodeficiency 35. Last evaluated: 2024-09-06. Review status: criteria provided, single submitter. Criteria: Invitae Variant Classification Sherloc (09022015). Collection method: clinical testing. Allele origin: germline.
Comment: This sequence change replaces glycine, which is neutral and non-polar, with valine, which is neutral and non-polar, at codon 27 of the TYK2 protein (p.Gly27Val). This variant is not present in population databases (gnomAD no frequency). This variant has not been reported in the literature in individuals affected with TYK2-related conditions. ClinVar contains an entry for this variant (Variation ID: 2096952). Invitae Evidence Modeling of protein sequence and biophysical properties (such as structural, functional, and spatial information, amino acid conservation, physicochemical variation, residue mobility, and thermodynamic stability) indicates that this missense variant is not expected to disrupt TYK2 protein function with a negative predictive value of 80%. In summary, the available evidence is currently insufficient to determine the role of this variant in disease. Therefore, it has been classified as a Variant of Uncertain Significance.